The following is an entry in ClinVar:

ClinVar aggregate classification (germline): Uncertain significance (1 of 4 stars; one submission).

Submission:

Labcorp Genetics (formerly Invitae), Labcorp
Classification: Uncertain significance. Last evaluated: 2025-10-13. Review status: criteria provided, single submitter. Criteria: Invitae Variant Classification Sherloc (09022015). Collection method: clinical testing. Allele origin: germline.
Comment: This sequence change replaces serine, which is neutral and polar, with phenylalanine, which is neutral and non-polar, at codon 178 of the PIGC protein (p.Ser178Phe). This variant is not present in population databases (gnomAD no frequency). This variant has not been reported in the literature in individuals affected with PIGC-related conditions. ClinVar contains an entry for this variant (Variation ID: 2032783). Invitae Evidence Modeling of protein sequence and biophysical properties (such as structural, functional, and spatial information, amino acid conservation, physicochemical variation, residue mobility, and thermodynamic stability) indicates that this missense variant is expected to disrupt PIGC protein function with a positive predictive value of 80%. In summary, the available evidence is currently insufficient to determine the role of this variant in disease. Therefore, it has been classified as a Variant of Uncertain Significance.

NM_153747.2(PIGC):c.533C>T (p.Ser178Phe)

Genes: C1orf105 (chromosome 1 open reading frame 105; plus strand), PIGC (phosphatidylinositol glycan anchor biosynthesis class C; minus strand). Cytogenetic location: 1q24.3.
Variant type: single nucleotide variant.
Coding change: c.533C>T on transcript NM_153747.2 (MANE Select); coding-DNA position 533, C replaced by T.
Protein change: p.Ser178Phe; replaces serine 178 with phenylalanine.
Molecular consequence: missense variant. On other transcripts: intron variant (1).
Genome position (GRCh38, 1-based): chr1:172,442,090, G>A on the plus strand (C>T on the coding strand, the complement: PIGC is on the minus strand). VCF-style: chr1-172442090-G-A. GRCh37 (hg19) VCF-style: chr1-172411230-G-A.
Other names: c.533C>T, p.Ser178Phe (NM_002642.4); c.22-2983G>A (NM_139240.4); short protein forms S178F.
Identifiers: ClinVar variation 2032783 (VCV002032783.4), dbSNP rs2526987313, ClinGen allele CA343731989.